The following is an entry in ClinVar:

NM_003107.3(SOX4):c.1325C>G (p.Ser442Trp)

Gene: SOX4 (SRY-box transcription factor 4; plus strand). Cytogenetic location: 6p22.3.
Variant type: single nucleotide variant.
Coding change: c.1325C>G on transcript NM_003107.3 (MANE Select); coding-DNA position 1325, C replaced by G.
Protein change: p.Ser442Trp; replaces serine 442 with tryptophan.
Molecular consequence: missense variant.
Genome position (GRCh38, 1-based): chr6:21,595,859, C>G. VCF-style: chr6-21595859-C-G. GRCh37 (hg19) VCF-style: chr6-21596090-C-G.
Other names: short protein forms S442W.
Identifiers: ClinVar variation 3375910 (VCV003375910.1).

ClinVar aggregate classification (germline): Uncertain significance (1 of 4 stars; one submission).

Submission:

GeneDx
Classification: Uncertain significance. Last evaluated: 2024-05-05. Review status: criteria provided, single submitter. Criteria: GeneDx Variant Classification Process June 2021. Collection method: clinical testing. Allele origin: germline. Affected: yes.
Comment: Not observed at significant frequency in large population cohorts (gnomAD); In silico analysis supports that this missense variant has a deleterious effect on protein structure/function; Has not been previously published as pathogenic or benign to our knowledge